The following is an entry in ClinVar:

ClinVar aggregate classification (germline): Uncertain significance (1 of 4 stars; one submission).

Conditions:
Hereditary cancer-predisposing syndrome. Also called: Neoplastic Syndromes, Hereditary; Tumor predisposition; Hereditary Cancer Syndrome; Hereditary neoplastic syndrome. Identifiers: Orphanet 140162, MedGen C0027672, MeSH D009386, MONDO:0015356.

Submission:

Ambry Genetics
Classification: Uncertain significance for Hereditary cancer-predisposing syndrome. Last evaluated: 2026-03-19. Review status: criteria provided, single submitter. Criteria: Ambry Variant Classification Scheme 2023. Collection method: clinical testing. Allele origin: germline.
Comment: The p.H298Q variant (also known as c.894C>G), located in coding exon 7 of the POLD1 gene, results from a C to G substitution at nucleotide position 894. The histidine at codon 298 is replaced by glutamine, an amino acid with highly similar properties. This amino acid position is conserved. In addition, this alteration is predicted to be tolerated by in silico analysis. Based on the available evidence, the clinical significance of this variant remains unclear.

NM_002691.4(POLD1):c.894C>G (p.His298Gln)

Gene: POLD1 (DNA polymerase delta 1, catalytic subunit; plus strand). Cytogenetic location: 19q13.33.
Variant type: single nucleotide variant.
Coding change: c.894C>G on transcript NM_002691.4 (MANE Select); coding-DNA position 894, C replaced by G.
Protein change: p.His298Gln; replaces histidine 298 with glutamine.
Molecular consequence: missense variant. On other transcripts: non-coding transcript variant (1).
Genome position (GRCh38, 1-based): chr19:50,402,665, C>G. VCF-style: chr19-50402665-C-G. GRCh37 (hg19) VCF-style: chr19-50905922-C-G.
Other names: c.894C>G, p.His298Gln (NM_001256849.1, NM_001308632.1, NM_001438210.1 and 3 more transcripts); short protein forms H298Q.
Identifiers: ClinVar variation 4862166 (VCV004862166.1).